The following is an entry in ClinVar:

NM_000443.4(ABCB4):c.2954T>C (p.Val985Ala)

Gene: ABCB4 (ATP binding cassette subfamily B member 4; minus strand). Cytogenetic location: 7q21.12.
Variant type: single nucleotide variant.
Coding change: c.2954T>C on transcript NM_000443.4 (MANE Select); coding-DNA position 2954, T replaced by C.
Protein change: p.Val985Ala; replaces valine 985 with alanine.
Molecular consequence: missense variant.
Genome position (GRCh38, 1-based): chr7:87,409,363, A>G on the plus strand (T>C on the coding strand, the complement: ABCB4 is on the minus strand). VCF-style: chr7-87409363-A-G. GRCh37 (hg19) VCF-style: chr7-87038679-A-G.
Other names: c.2954T>C, p.Val985Ala (NM_018849.3); c.2813T>C, p.Val938Ala (NM_018850.3); short protein forms V985A, V938A.
Identifiers: ClinVar variation 4984377 (VCV004984377.1).

ClinVar aggregate classification (germline): Uncertain significance (1 of 4 stars; one submission).

Conditions:
ABCB4-related disorder. Also called: ABCB4-related disorders; ABCB4-related condition.

gnomAD v4.1: 18 of 1,614,136 alleles (0.0011%); highest among the groups gnomAD compares: Non-Finnish European, 0.0014%; no homozygotes.

Submission:

PreventionGenetics, part of Exact Sciences
Classification: Uncertain significance for ABCB4-related condition. Last evaluated: 2025-07-31. Review status: criteria provided, single submitter. Criteria: ACMG Guidelines, 2015. Collection method: clinical testing. Allele origin: germline.
Comment: The ABCB4 c.2954T>C variant is predicted to result in the amino acid substitution p.Val985Ala. To our knowledge, this variant has not been reported in the literature or in a large population database (gnomAD), indicating this variant is rare. At this time, the clinical significance of this variant is uncertain due to the absence of conclusive functional and genetic evidence.